The following is an entry in ClinVar:

ClinVar aggregate classification (germline): Uncertain significance. Review status: criteria provided, multiple submitters, no conflicts (2 of 4 stars). 2 submissions from 2 submitters: Uncertain significance (2). Last evaluated 2022-02-17.

Conditions:
Familial idiopathic hypercalciuria (HCA2). Also called: Hypercalciuria, absorptive, 2; Hypercalciuria, absorptive, susceptibility to. Identifiers: MedGen C0342639, MONDO:0007748, OMIM 143870.

Allele frequency attached by ClinVar (database versions not stated): gnomAD 0.00001 and 0.00002; gnomAD exomes 0.00002 and 0.00007; TOPMed 0.00003.
gnomAD v4.1: 105 of 1,610,932 alleles (0.0065%); highest among the groups gnomAD compares: Non-Finnish European, 0.0086%; no homozygotes.

Submissions (2):

Fulgent Genetics
Classification: Uncertain significance for Familial idiopathic hypercalciuria. Last evaluated: 2022-02-17. Review status: criteria provided, single submitter. Criteria: ACMG Guidelines, 2015. Collection method: clinical testing. Allele origin: unknown.

Labcorp Genetics (formerly Invitae), Labcorp
Classification: Uncertain significance. Last evaluated: 2021-04-24. Review status: criteria provided, single submitter. Criteria: Invitae Variant Classification Sherloc (09022015). Collection method: clinical testing. Allele origin: germline.
Comment: In summary, the available evidence is currently insufficient to determine the role of this variant in disease. Therefore, it has been classified as a Variant of Uncertain Significance. Algorithms developed to predict the effect of missense changes on protein structure and function are either unavailable or do not agree on the potential impact of this missense change (SIFT: "Deleterious"; PolyPhen-2: "Probably Damaging"; Align-GVGD: "Class C0"). This variant has not been reported in the literature in individuals with ADCY10-related conditions. This variant is not present in population databases (ExAC no frequency). This sequence change replaces cysteine with phenylalanine at codon 342 of the ADCY10 protein (p.Cys342Phe). The cysteine residue is highly conserved and there is a large physicochemical difference between cysteine and phenylalanine.

NM_018417.6(ADCY10):c.1025G>T (p.Cys342Phe)

Genes: ADCY10 (adenylate cyclase 10; minus strand), DCAF6 (DDB1 and CUL4 associated factor 6; plus strand). Cytogenetic location: 1q24.2.
Variant type: single nucleotide variant.
Coding change: c.1025G>T on transcript NM_018417.6 (MANE Select); coding-DNA position 1025, G replaced by T.
Protein change: p.Cys342Phe; replaces cysteine 342 with phenylalanine.
Molecular consequence: missense variant.
Genome position (GRCh38, 1-based): chr1:167,880,605, C>A on the plus strand (G>T on the coding strand, the complement: ADCY10 is on the minus strand). VCF-style: chr1-167880605-C-A. GRCh37 (hg19) VCF-style: chr1-167849843-C-A.
Other names: c.566G>T, p.Cys189Phe (NM_001167749.3); c.749G>T, p.Cys250Phe (NM_001297772.2); short protein forms C189F, C250F, C342F.
Identifiers: ClinVar variation 1403077 (VCV001403077.9), dbSNP rs199965059, ClinGen allele CA31431088.
Genomic context (GRCh38, chr1:167,880,605, plus strand): 5'-GCATGAGTGAGCTCGTCAGGTACCTTTTCCCCAGGGAAGCCAAAGACACAGAGGAAAGAG[C>A]AGCCCTGTGAGGGAGAGAGACAGCAACCACAGCTGATGGACAGTGTGCTTTAAACTGGAC-3'
Protein context (NP_060887.2, residues 332-352): INKVFMFDKG[Cys342Phe]SFLCVFGFPG